The following is an entry in ClinVar:

NM_007078.3(LDB3):c.863A>G (p.Gln288Arg)

Gene: LDB3 (LIM domain binding 3; plus strand). Cytogenetic location: 10q23.2.
Variant type: single nucleotide variant.
Coding change: c.863A>G on transcript NM_007078.3 (MANE Select); coding-DNA position 863, A replaced by G.
Protein change: p.Gln288Arg; replaces glutamine 288 with arginine.
Molecular consequence: missense variant.
Genome position (GRCh38, 1-based): chr10:86,692,538, A>G. VCF-style: chr10-86692538-A-G. GRCh37 (hg19) VCF-style: chr10-88452295-A-G.
Other names: c.722A>G, p.Gln241Arg (NM_001080114.2, NM_001080116.1, NM_001368066.1 and 2 more transcripts); c.863A>G, p.Gln288Arg (NM_001080115.2, NM_001368063.1, NM_001368064.1 and 1 more transcripts); c.1067A>G, p.Gln356Arg (NM_001171610.2, NM_001171611.2); short protein forms Q356R, Q288R, Q241R.
Identifiers: ClinVar variation 4718858 (VCV004718858.1).
Genomic context (GRCh38, chr10:86,692,538, plus strand): 5'-CAGCTTTCCTTGCTGTGTCTCCCGTGAGTCCCCTGACCAGCTCCTTTCTACCAACAGTGC[A>G]AGACCCTGATGAAGAAGCTCTGCGAAGGTCAAGGTAAGTGCCTGGACTCAGGCTCTGTGG-3'
Protein context (NP_009009.1, residues 278-298): LAQMTGTEFM[Gln288Arg]DPDEEALRRS

ClinVar aggregate classification (germline): Uncertain significance (1 of 4 stars; one submission).

Conditions:
Myofibrillar myopathy 4. Also called: Zaspopathy (type). Identifiers: Orphanet 98912, MedGen C4721886, MONDO:0012277, OMIM 609452.

Submission:

Labcorp Genetics (formerly Invitae), Labcorp
Classification: Uncertain significance for Myofibrillar myopathy 4. Last evaluated: 2025-05-03. Review status: criteria provided, single submitter. Criteria: Invitae Variant Classification Sherloc (09022015). Collection method: clinical testing. Allele origin: germline.
Comment: This sequence change replaces glutamine, which is neutral and polar, with arginine, which is basic and polar, at codon 241 of the LDB3 protein (p.Gln241Arg). This variant is not present in population databases (gnomAD no frequency). This variant has not been reported in the literature in individuals affected with LDB3-related conditions. An algorithm developed to predict the effect of missense changes on protein structure and function outputs the following: PolyPhen-2: "Benign". The arginine amino acid residue is found in multiple mammalian species, which suggests that this missense change does not adversely affect protein function. In summary, the available evidence is currently insufficient to determine the role of this variant in disease. Therefore, it has been classified as a Variant of Uncertain Significance.